The following is an entry in ClinVar:

NM_003647.3(DGKE):c.562_583del (p.Pro188fs)

Gene: DGKE (diacylglycerol kinase epsilon; plus strand). Cytogenetic location: 17q22.
Variant type: Deletion.
Coding change: c.562_583del on transcript NM_003647.3 (MANE Select); coding-DNA positions 562 to 583, 22 bases deleted (CCACCAAGTTATTTAACATCCA).
Protein change: p.Pro188fs; shifts the reading frame from proline 188.
Molecular consequence: frameshift variant.
Genome position (GRCh38, 1-based): chr17:56,844,116-56,844,137, CCACCAAGTTATTTAACATCCA deleted. VCF-style (leftmost placement, unchanged base first): chr17-56844115-TCCACCAAGTTATTTAACATCCA-T. GRCh37 (hg19) VCF-style: chr17-54921476-TCCACCAAGTTATTTAACATCCA-T.
Other names: short protein forms P188fs.
Identifiers: ClinVar variation 1986461 (VCV001986461.4), dbSNP rs2509284743, ClinGen allele CA2580094273.

ClinVar aggregate classification (germline): Pathogenic (1 of 4 stars; one submission).

Submission:

Labcorp Genetics (formerly Invitae), Labcorp
Classification: Pathogenic. Last evaluated: 2022-04-23. Review status: criteria provided, single submitter. Criteria: Invitae Variant Classification Sherloc (09022015). Collection method: clinical testing. Allele origin: germline.
Comment: For these reasons, this variant has been classified as Pathogenic. This variant has not been reported in the literature in individuals affected with DGKE-related conditions. This variant is not present in population databases (gnomAD no frequency). This sequence change creates a premature translational stop signal (p.Pro188Leufs*15) in the DGKE gene. It is expected to result in an absent or disrupted protein product. Loss-of-function variants in DGKE are known to be pathogenic (PMID: 23274426, 23542698).

Literature cited by the submitters: PubMed 23274426; PubMed 23542698.